The following is an entry in ClinVar:

ClinVar aggregate classification (germline): Uncertain significance. Review status: criteria provided, multiple submitters, no conflicts (2 of 4 stars). 2 submissions from 2 submitters: Uncertain significance (2). Last evaluated 2025-02-01.

Conditions:
Neurodegeneration with brain iron accumulation 6 (NBIA6). Also called: COASY protein-associated neurodegeneration. Identifiers: Orphanet 397725, MedGen C4517377, MONDO:0014290, OMIM 615643.

Allele frequency attached by ClinVar (database versions not stated): gnomAD 0.00002; TOPMed 0.00002; gnomAD exomes 0.00004 and 0.00005; ExAC 0.00006.
gnomAD v4.1: 66 of 1,588,330 alleles (0.0042%); highest among the groups gnomAD compares: Non-Finnish European, 0.0041%; no homozygotes.

Submissions (2):

Ambry Genetics
Classification: Uncertain significance. Last evaluated: 2025-02-01. Review status: criteria provided, single submitter. Criteria: Ambry Variant Classification Scheme 2023. Collection method: clinical testing. Allele origin: germline.

Labcorp Genetics (formerly Invitae), Labcorp
Classification: Uncertain significance for Neurodegeneration with brain iron accumulation 6. Last evaluated: 2022-02-05. Review status: criteria provided, single submitter. Criteria: Invitae Variant Classification Sherloc (09022015). Collection method: clinical testing. Allele origin: germline.
Comment: In summary, the available evidence is currently insufficient to determine the role of this variant in disease. Therefore, it has been classified as a Variant of Uncertain Significance. Algorithms developed to predict the effect of sequence changes on RNA splicing suggest that this variant may create or strengthen a splice site. Algorithms developed to predict the effect of missense changes on protein structure and function are either unavailable or do not agree on the potential impact of this missense change (SIFT: "Deleterious"; PolyPhen-2: "Probably Damaging"; Align-GVGD: "Class C0"). This variant has not been reported in the literature in individuals affected with COASY-related conditions. This variant is present in population databases (rs769330035, gnomAD 0.01%). This sequence change replaces leucine, which is neutral and non-polar, with valine, which is neutral and non-polar, at codon 37 of the COASY protein (p.Leu37Val).

NM_025233.7(COASY):c.109C>G (p.Leu37Val)

Gene: COASY (Coenzyme A synthase; plus strand). Cytogenetic location: 17q21.2.
Variant type: single nucleotide variant.
Coding change: c.109C>G on transcript NM_025233.7 (MANE Select); coding-DNA position 109, C replaced by G.
Protein change: p.Leu37Val; replaces leucine 37 with valine.
Molecular consequence: missense variant.
Genome position (GRCh38, 1-based): chr17:42,562,731, C>G. VCF-style: chr17-42562731-C-G. GRCh37 (hg19) VCF-style: chr17-40714749-C-G.
Other names: c.109C>G, p.Leu37Val (NM_001042529.3); c.196C>G, p.Leu66Val (NM_001042532.4); c.196C>G (NM_001042532.2); short protein forms L37V, L66V.
Identifiers: ClinVar variation 1521816 (VCV001521816.7), dbSNP rs769330035, ClinGen allele CA8577912.
Genomic context (GRCh38, chr17:42,562,731, plus strand): 5'-TCCCTAGCCCCTCGCCTGGCCTCCATCCTGACCTCGGCGGCCCGGCTGGTGAATCACACA[C>G]TCTATGTTCACCTGCAGCCGGGCATGAGCCTGGAGGGCCCGGCTCAGCCCCAGTCCAGCC-3'
Protein context (NP_079509.5, residues 27-47): TSAARLVNHT[Leu37Val]YVHLQPGMSL